The following is an entry in ClinVar:

NM_000213.5(ITGB4):c.1882del (p.Asp628fs)

Gene: ITGB4 (integrin subunit beta 4; plus strand). Cytogenetic location: 17q25.1.
Variant type: Deletion.
Coding change: c.1882del on transcript NM_000213.5 (MANE Select); coding-DNA position 1882, one base deleted (G; older notation c.1882delG).
Protein change: p.Asp628fs; shifts the reading frame from aspartic acid 628.
Molecular consequence: frameshift variant.
Genome position (GRCh38, 1-based): chr17:75,736,586, G deleted; the last of 2 consecutive G bases (chr17:75,736,585-75,736,586); deleting either gives the same sequence. VCF-style (leftmost placement, unchanged base first): chr17-75736584-AG-A. GRCh37 (hg19) VCF-style: chr17-73732665-AG-A.
Other names: c.1882delG, p.Asp628Thrfs (NM_001005619.2); c.1882del, p.Asp628fs (NM_001005731.3, NM_001321123.2); short protein forms D628fs.
Identifiers: ClinVar variation 2835339 (VCV002835339.3), dbSNP rs1415537146, ClinGen allele CA627409743.

ClinVar aggregate classification (germline): Pathogenic (1 of 4 stars; one submission).

Submission:

Labcorp Genetics (formerly Invitae), Labcorp
Classification: Pathogenic. Last evaluated: 2023-02-08. Review status: criteria provided, single submitter. Criteria: Invitae Variant Classification Sherloc (09022015). Collection method: clinical testing. Allele origin: germline.
Comment: This sequence change creates a premature translational stop signal (p.Asp628Thrfs*141) in the ITGB4 gene. It is expected to result in an absent or disrupted protein product. Loss-of-function variants in ITGB4 are known to be pathogenic (PMID: 11328943, 16473856). This variant is present in population databases (no rsID available, gnomAD 0.006%). This variant has not been reported in the literature in individuals affected with ITGB4-related conditions. For these reasons, this variant has been classified as Pathogenic.

Literature cited by the submitters: PubMed 11328943; PubMed 16473856.